The following is an entry in ClinVar:

ClinVar aggregate classification (germline): Uncertain significance. Review status: criteria provided, single submitter (1 of 4 stars). 2 submissions from 2 submitters: Uncertain significance (1). 1 of the submissions does not count toward it. Last evaluated 2025-05-23.

Conditions:
VPS13B-related disorder. Also called: VPS13B-related condition.

gnomAD v4.1: 9 of 1,613,702 alleles (0.00056%); highest among the groups gnomAD compares: African/African-American, 0.0027%; no homozygotes.

Submissions (2):

GeneDx
Classification: Uncertain significance. Last evaluated: 2025-05-23. Review status: criteria provided, single submitter. Criteria: GeneDx Variant Classification Process June 2021. Collection method: clinical testing. Allele origin: germline. Affected: yes.
Comment: Not observed at significant frequency in large population cohorts (gnomAD); In silico analysis suggests that this missense variant does not alter protein structure/function; Has not been previously published as pathogenic or benign to our knowledge

PreventionGenetics, part of Exact Sciences
Classification: Uncertain significance for VPS13B-related condition. Last evaluated: 2024-06-06. Review status: no assertion criteria provided. Collection method: clinical testing. Allele origin: germline. Not counted in ClinVar's aggregate classification.
Comment: The VPS13B c.3854T>C variant is predicted to result in the amino acid substitution p.Ile1285Thr. To our knowledge, this variant has not been reported in the literature. This variant is reported in 0.0040% of alleles in individuals of African descent in gnomAD. At this time, the clinical significance of this variant is uncertain due to the absence of conclusive functional and genetic evidence.

NM_152564.5(VPS13B):c.3854T>C (p.Ile1285Thr)

Gene: VPS13B (vacuolar protein sorting 13 homolog B; plus strand). Cytogenetic location: 8q22.2.
Variant type: single nucleotide variant.
Coding change: c.3854T>C on transcript NM_152564.5 (MANE Select); coding-DNA position 3854, T replaced by C.
Protein change: p.Ile1285Thr; replaces isoleucine 1285 with threonine.
Molecular consequence: missense variant.
Genome position (GRCh38, 1-based): chr8:99,481,786, T>C. VCF-style: chr8-99481786-T-C. GRCh37 (hg19) VCF-style: chr8-100494014-T-C.
Other names: c.3854T>C, p.Ile1285Thr (NM_017890.5); c.3854T>C (NM_017890.3); short protein forms I1285T.
Identifiers: ClinVar variation 3357154 (VCV003357154.2).